The following is an entry in ClinVar:

NM_004168.4(SDHA):c.554A>G (p.Gln185Arg)

Gene: SDHA (succinate dehydrogenase complex flavoprotein subunit A; plus strand). Cytogenetic location: 5p15.33.
Variant type: single nucleotide variant.
Coding change: c.554A>G on transcript NM_004168.4 (MANE Select); coding-DNA position 554, A replaced by G.
Protein change: p.Gln185Arg; replaces glutamine 185 with arginine.
Molecular consequence: missense variant.
Genome position (GRCh38, 1-based): chr5:225,980, A>G. VCF-style: chr5-225980-A-G. GRCh37 (hg19) VCF-style: chr5-226095-A-G.
Other names: c.410A>G, p.Gln137Arg (NM_001294332.2); c.554A>G, p.Gln185Arg (NM_001330758.2); short protein forms Q137R, Q185R.
Identifiers: ClinVar variation 3223750 (VCV003223750.1), dbSNP rs1179470589, ClinGen allele CA359010381.

ClinVar aggregate classification (germline): Uncertain significance (1 of 4 stars; one submission).

Conditions:
Hereditary cancer-predisposing syndrome. Also called: Tumor predisposition; Hereditary neoplastic syndrome; Hereditary Cancer Syndrome; Neoplastic Syndromes, Hereditary. Identifiers: Orphanet 140162, MedGen C0027672, MeSH D009386, MONDO:0015356.

Submission:

Ambry Genetics
Classification: Uncertain significance for Hereditary cancer-predisposing syndrome. Last evaluated: 2023-12-31. Review status: criteria provided, single submitter. Criteria: Ambry Variant Classification Scheme 2023. Collection method: clinical testing. Allele origin: germline.
Comment: The p.Q185R variant (also known as c.554A>G), located in coding exon 5 of the SDHA gene, results from an A to G substitution at nucleotide position 554. The glutamine at codon 185 is replaced by arginine, an amino acid with highly similar properties. This amino acid position is conserved. In addition, this alteration is predicted to be deleterious by in silico analysis. Since supporting evidence is limited at this time, the clinical significance of this alteration remains unclear.